The following is an entry in ClinVar:

NM_001378120.1(MBD5):c.1709A>G (p.Asn570Ser)

Gene: MBD5 (methyl-CpG binding domain protein 5; plus strand). Cytogenetic location: 2q23.1.
Variant type: single nucleotide variant.
Coding change: c.1709A>G on transcript NM_001378120.1 (MANE Select); coding-DNA position 1709, A replaced by G.
Protein change: p.Asn570Ser; replaces asparagine 570 with serine.
Molecular consequence: missense variant.
Genome position (GRCh38, 1-based): chr2:148,469,652, A>G. VCF-style: chr2-148469652-A-G. GRCh37 (hg19) VCF-style: chr2-149227221-A-G.
Other names: c.1709A>G, p.Asn570Ser (NM_018328.5); short protein forms N570S.
Identifiers: ClinVar variation 1419424 (VCV001419424.7), dbSNP rs1277304345, ClinGen allele CA348720269.

ClinVar aggregate classification (germline): Uncertain significance. Review status: criteria provided, multiple submitters, no conflicts (2 of 4 stars). 2 submissions from 2 submitters: Uncertain significance (2). Last evaluated 2023-11-27.

Conditions:
Intellectual developmental disorder, autosomal dominant 1. Also called: Intellectual disability, autosomal dominant 1; MBD5 Haploinsufficiency. Identifiers: Orphanet 228402, MedGen C1969562, MONDO:0007974, OMIM 156200.

Allele frequency attached by ClinVar (database versions not stated): TOPMed 0.00001; gnomAD 0.00001; gnomAD exomes below 0.00001.
gnomAD v4.1: 7 of 1,613,834 alleles (0.00043%); highest among the groups gnomAD compares: Non-Finnish European, 0.00059%; no homozygotes.

Submissions (2):

Labcorp Genetics (formerly Invitae), Labcorp
Classification: Uncertain significance for Intellectual developmental disorder, autosomal dominant 1. Last evaluated: 2023-11-27. Review status: criteria provided, single submitter. Criteria: Invitae Variant Classification Sherloc (09022015). Collection method: clinical testing. Allele origin: germline.
Comment: This sequence change replaces asparagine, which is neutral and polar, with serine, which is neutral and polar, at codon 570 of the MBD5 protein (p.Asn570Ser). This variant is not present in population databases (gnomAD no frequency). This variant has not been reported in the literature in individuals affected with MBD5-related conditions. ClinVar contains an entry for this variant (Variation ID: 1419424). Advanced modeling of protein sequence and biophysical properties (such as structural, functional, and spatial information, amino acid conservation, physicochemical variation, residue mobility, and thermodynamic stability) performed at Invitae indicates that this missense variant is not expected to disrupt MBD5 protein function with a negative predictive value of 80%. In summary, the available evidence is currently insufficient to determine the role of this variant in disease. Therefore, it has been classified as a Variant of Uncertain Significance.

Blueprint Genetics
Classification: Uncertain significance. Last evaluated: 2023-11-02. Review status: criteria provided, single submitter. Criteria: ACMG Guidelines, 2015. Collection method: clinical testing. Allele origin: germline.